The following is an entry in ClinVar:

ClinVar aggregate classification (germline): Uncertain significance (1 of 4 stars; one submission).

Conditions:
Renal cell carcinoma. Identifiers: MedGen C0007134, MeSH D002292, MONDO:0005086, HP:0005584, Orphanet 217071.

Submission:

Labcorp Genetics (formerly Invitae), Labcorp
Classification: Uncertain significance for Renal cell carcinoma. Last evaluated: 2025-11-17. Review status: criteria provided, single submitter. Criteria: Invitae Variant Classification Sherloc (09022015). Collection method: clinical testing. Allele origin: germline.
Comment: This sequence change replaces aspartic acid, which is acidic and polar, with glycine, which is neutral and non-polar, at codon 1328 of the MET protein (p.Asp1328Gly). This variant is not present in population databases (gnomAD no frequency). This variant has not been reported in the literature in individuals affected with MET-related conditions. ClinVar contains an entry for this variant (Variation ID: 2054628). Invitae Evidence Modeling of protein sequence and biophysical properties (such as structural, functional, and spatial information, amino acid conservation, physicochemical variation, residue mobility, and thermodynamic stability) indicates that this missense variant is expected to disrupt MET protein function with a positive predictive value of 80%. In summary, the available evidence is currently insufficient to determine the role of this variant in disease. Therefore, it has been classified as a Variant of Uncertain Significance.

NM_000245.4(MET):c.3929A>G (p.Asp1310Gly)

Gene: MET (MET proto-oncogene, receptor tyrosine kinase; plus strand). Cytogenetic location: 7q31.2.
Variant type: single nucleotide variant.
Coding change: c.3929A>G on transcript NM_000245.4 (MANE Select); coding-DNA position 3929, A replaced by G.
Protein change: p.Asp1310Gly; replaces aspartic acid 1310 with glycine.
Molecular consequence: missense variant.
Genome position (GRCh38, 1-based): chr7:116,795,785, A>G. VCF-style: chr7-116795785-A-G. GRCh37 (hg19) VCF-style: chr7-116435839-A-G.
Other names: c.3983A>G, p.Asp1328Gly (NM_001127500.3); c.2639A>G, p.Asp880Gly (NM_001324402.2); short protein forms D1310G, D1328G, D880G.
Identifiers: ClinVar variation 2054628 (VCV002054628.4), dbSNP rs1390590380, ClinGen allele CA369118011.